The following is an entry in ClinVar:

ClinVar aggregate classification (germline): Conflicting classifications of pathogenicity. Review status: criteria provided, conflicting classifications (1 of 4 stars). 2 submissions from 2 submitters: Uncertain significance (1); Likely benign (1). Last evaluated 2023-03-23.

Conditions:
Hereditary cancer-predisposing syndrome. Also called: Hereditary neoplastic syndrome; Neoplastic Syndromes, Hereditary; Tumor predisposition; Hereditary Cancer Syndrome. Identifiers: Orphanet 140162, MedGen C0027672, MeSH D009386, MONDO:0015356.
Hereditary breast ovarian cancer syndrome. Also called: Hereditary breast and ovarian cancer syndrome; Hereditary breast and/or ovarian cancer syndrome; Hereditary breast and ovarian cancer; Hereditary breast and ovarian cancer syndrome (HBOC); Breast and ovarian cancer; BRCA1- and BRCA2-Associated Hereditary Breast and Ovarian Cancer. Identifiers: Orphanet 145, MedGen C0677776, MeSH D061325, MONDO:0003582. Disease mechanism: loss of function.

Submissions (2):

University of Washington Department of Laboratory Medicine, University of Washington
Classification: Likely benign for Hereditary cancer-predisposing syndrome. Last evaluated: 2023-03-23. Review status: criteria provided, single submitter. Criteria: Dines et al. (Genet Med. 2020). Collection method: curation. Allele origin: germline.
Comment: Missense variant in a coldspot region where missense variants are very unlikely to be pathogenic (PMID:31911673).

BRCA2 exon 10 coldspot. Reclassification based on statistical prior probability.

Labcorp Genetics (formerly Invitae), Labcorp
Classification: Uncertain significance for Hereditary breast ovarian cancer syndrome. Last evaluated: 2020-08-06. Review status: criteria provided, single submitter. Criteria: Invitae Variant Classification Sherloc (09022015). Collection method: clinical testing. Allele origin: germline.
Comment: Advanced modeling of protein sequence and biophysical properties (such as structural, functional, and spatial information, amino acid conservation, physicochemical variation, residue mobility, and thermodynamic stability) performed at Invitae indicates that this missense variant is not expected to disrupt BRCA2 protein function. This variant has not been reported in the literature in individuals with BRCA2-related conditions. This variant is not present in population databases (ExAC no frequency). This sequence change replaces glutamic acid with glycine at codon 471 of the BRCA2 protein (p.Glu471Gly). The glutamic acid residue is weakly conserved and there is a moderate physicochemical difference between glutamic acid and glycine. In summary, the available evidence is currently insufficient to determine the role of this variant in disease. Therefore, it has been classified as a Variant of Uncertain Significance.

NM_000059.4(BRCA2):c.1412A>G (p.Glu471Gly)

Gene: BRCA2 (BRCA2 DNA repair associated; plus strand). Cytogenetic location: 13q13.1.
Variant type: single nucleotide variant.
Coding change: c.1412A>G on transcript NM_000059.4 (MANE Select); coding-DNA position 1412, A replaced by G.
Protein change: p.Glu471Gly; replaces glutamic acid 471 with glycine.
Molecular consequence: missense variant.
Genome position (GRCh38, 1-based): chr13:32,332,890, A>G. VCF-style: chr13-32332890-A-G. GRCh37 (hg19) VCF-style: chr13-32907027-A-G.
Other names: short protein forms E471G.
Identifiers: ClinVar variation 1034595 (VCV001034595.10), dbSNP rs2072412299, ClinGen allele CA387764197.